The following is an entry in ClinVar:

NM_022474.4(PALS1):c.227del (p.Lys76fs)

Genes: GPHN (gephyrin; plus strand), PALS1 (protein associated with LIN7 1, MAGUK p55 family member; plus strand). Cytogenetic location: 14q23.3.
Variant type: Deletion.
Coding change: c.227del on transcript NM_022474.4 (MANE Select); coding-DNA position 227, one base deleted (A; older notation c.227delA).
Protein change: p.Lys76fs; shifts the reading frame from lysine 76.
Molecular consequence: frameshift variant.
Genome position (GRCh38, 1-based): chr14:67,279,397, A deleted; the last of 5 consecutive A bases (chr14:67,279,393-67,279,397); deleting any one gives the same sequence. VCF-style (leftmost placement, unchanged base first): chr14-67279392-GA-G. GRCh37 (hg19) VCF-style: chr14-67746109-GA-G.
Other names: c.125del, p.Lys42fs (NM_001256550.2); short protein forms K76fs, K42fs.
Identifiers: ClinVar variation 2609050 (VCV002609050.2), dbSNP rs2544888538, ClinGen allele CA2582341760.

ClinVar aggregate classification (germline): Uncertain significance (1 of 4 stars; one submission).

Submission:

Ambry Genetics
Classification: Uncertain significance. Last evaluated: 2023-07-24. Review status: criteria provided, single submitter. Criteria: Ambry Variant Classification Scheme 2023. Collection method: clinical testing. Allele origin: germline.
Comment: The c.227delA (p.K76Sfs*10) alteration, located in exon 3 (coding exon 1) of the MPP5 gene, consists of a deletion of one nucleotide at position 227, causing a translational frameshift with a predicted alternate stop codon after 10 amino acids. This alteration is expected to result in premature protein truncation or nonsense-mediated mRNA decay. However, loss-of-function of MMP5 has not been established as a mechanism of disease. This variant was not reported in population-based cohorts in the Genome Aggregation Database (gnomAD). Based on insufficient or conflicting evidence, the clinical significance of this alteration remains unclear.